The following is an entry in ClinVar:

NM_000466.3(PEX1):c.2164del (p.Val723fs)

Gene: PEX1 (peroxisomal biogenesis factor 1; minus strand). Cytogenetic location: 7q21.2.
Variant type: Deletion.
Coding change: c.2164del on transcript NM_000466.3 (MANE Select); coding-DNA position 2164, one base deleted (C; older notation c.2164delC).
Protein change: p.Val723fs; shifts the reading frame from valine 723.
Molecular consequence: frameshift variant.
Genome position (GRCh38, 1-based): chr7:92,503,103, G deleted on the plus strand (C on the coding strand, the reverse complement: PEX1 is on the minus strand). VCF-style (leftmost placement, unchanged base first): chr7-92503102-AG-A. GRCh37 (hg19) VCF-style: chr7-92132416-AG-A.
Other names: c.1993del, p.Val666fs (NM_001282677.2); c.1540del, p.Val515fs (NM_001282678.2); short protein forms V723fs, V515fs, V666fs.
Identifiers: ClinVar variation 1404596 (VCV001404596.6), dbSNP rs1792013807, ClinGen allele CA1725937038.

ClinVar aggregate classification (germline): Pathogenic (1 of 4 stars; one submission).

Conditions:
Zellweger spectrum disorders (ZS). Also called: Zellweger Spectrum Disorder (ZSD); Zellweger syndrome; Zellweger Spectrum Disorder; Zellweger Spectrum. Identifiers: Orphanet 912, MedGen C0043459, MONDO:0019609.

Allele frequency attached by ClinVar (database versions not stated): gnomAD exomes below 0.00001.

Submission:

Labcorp Genetics (formerly Invitae), Labcorp
Classification: Pathogenic for Zellweger spectrum disorders. Last evaluated: 2022-03-02. Review status: criteria provided, single submitter. Criteria: Invitae Variant Classification Sherloc (09022015). Collection method: clinical testing. Allele origin: germline.
Comment: For these reasons, this variant has been classified as Pathogenic. This variant has not been reported in the literature in individuals affected with PEX1-related conditions. This variant is not present in population databases (gnomAD no frequency). This sequence change creates a premature translational stop signal (p.Val723Phefs*30) in the PEX1 gene. It is expected to result in an absent or disrupted protein product. Loss-of-function variants in PEX1 are known to be pathogenic (PMID: 9398847, 16086329, 16141001, 21031596, 26387595, 31831025).

Literature cited by the submitters: PubMed 9398847; PubMed 16086329; PubMed 16141001; PubMed 21031596; PubMed 26387595; PubMed 31831025.